The following is an entry in ClinVar:

NM_006269.2(RP1):c.3193G>T (p.Val1065Leu)

Gene: RP1 (RP1 axonemal microtubule associated; plus strand). Cytogenetic location: 8q12.1.
Variant type: single nucleotide variant.
Coding change: c.3193G>T on transcript NM_006269.2 (MANE Select); coding-DNA position 3193, G replaced by T.
Protein change: p.Val1065Leu; replaces valine 1065 with leucine.
Molecular consequence: missense variant. On other transcripts: intron variant (1).
Genome position (GRCh38, 1-based): chr8:54,627,075, G>T. VCF-style: chr8-54627075-G-T. GRCh37 (hg19) VCF-style: chr8-55539635-G-T.
Other names: c.787+4787G>T (NM_001375654.1); short protein forms V1065L.
Identifiers: ClinVar variation 2896131 (VCV002896131.4), dbSNP rs753228437, ClinGen allele CA4751655.

ClinVar aggregate classification (germline): Uncertain significance. Review status: criteria provided, multiple submitters, no conflicts (2 of 4 stars). 2 submissions from 2 submitters: Uncertain significance (2). Last evaluated 2024-07-12.

Allele frequency attached by ClinVar (database versions not stated): gnomAD exomes below 0.00001; ExAC 0.00001; gnomAD 0.00001; TOPMed 0.00001.
gnomAD v4.1: 4 of 1,613,902 alleles (0.00025%); highest among the groups gnomAD compares: Non-Finnish European, 0.00034%; no homozygotes.

Submissions (2):

Labcorp Genetics (formerly Invitae), Labcorp
Classification: Uncertain significance. Last evaluated: 2024-07-12. Review status: criteria provided, single submitter. Criteria: Invitae Variant Classification Sherloc (09022015). Collection method: clinical testing. Allele origin: germline.
Comment: This sequence change replaces valine, which is neutral and non-polar, with leucine, which is neutral and non-polar, at codon 1065 of the RP1 protein (p.Val1065Leu). This variant is present in population databases (rs753228437, gnomAD 0.007%). This variant has not been reported in the literature in individuals affected with RP1-related conditions. An algorithm developed to predict the effect of missense changes on protein structure and function (PolyPhen-2) suggests that this variant is likely to be tolerated. In summary, the available evidence is currently insufficient to determine the role of this variant in disease. Therefore, it has been classified as a Variant of Uncertain Significance.

Blueprint Genetics
Classification: Uncertain significance. Last evaluated: 2022-10-03. Review status: criteria provided, single submitter. Criteria: ACMG Guidelines, 2015. Collection method: clinical testing. Allele origin: germline.